The following is an entry in ClinVar:

NM_001164508.2(NEB):c.23984T>C (p.Met7995Thr)

Genes: NEB (nebulin; minus strand), RIF1 (replication timing regulatory factor 1; plus strand). Cytogenetic location: 2q23.3.
Variant type: single nucleotide variant.
Coding change: c.23984T>C on transcript NM_001164508.2 (MANE Select); coding-DNA position 23984, T replaced by C.
Protein change: p.Met7995Thr; replaces methionine 7995 with threonine.
Molecular consequence: missense variant. On other transcripts: intron variant (1).
Genome position (GRCh38, 1-based): chr2:151,501,428, A>G on the plus strand (T>C on the coding strand, the complement: NEB is on the minus strand). VCF-style: chr2-151501428-A-G. GRCh37 (hg19) VCF-style: chr2-152357942-A-G.
Other names: c.23984T>C, p.Met7995Thr (NM_001164507.2); c.24089T>C, p.Met8030Thr (NM_001271208.2); c.18825+1365T>C (NM_004543.5); short protein forms M8030T, M7995T.
Identifiers: ClinVar variation 423603 (VCV000423603.9), dbSNP rs1064796521, ClinGen allele CA16617240.

ClinVar aggregate classification (germline): Uncertain significance. Review status: criteria provided, multiple submitters, no conflicts (2 of 4 stars). 2 submissions from 2 submitters: Uncertain significance (2). Last evaluated 2021-04-18.

Conditions:
Nemaline myopathy 2 (NEM2). Also called: Nemaline myopathy 2, autosomal recessive. Identifiers: MedGen C1850569, MONDO:0009725, OMIM 256030.

Allele frequency attached by ClinVar (database versions not stated): gnomAD exomes below 0.00001.
gnomAD v4.1: 2 of 1,548,560 alleles (0.00013%); highest among the groups gnomAD compares: South Asian, 0.0012%; no homozygotes.

Submissions (2):

Labcorp Genetics (formerly Invitae), Labcorp
Classification: Uncertain significance for Nemaline myopathy 2. Last evaluated: 2021-04-18. Review status: criteria provided, single submitter. Criteria: Invitae Variant Classification Sherloc (09022015). Collection method: clinical testing. Allele origin: germline.
Comment: In summary, the available evidence is currently insufficient to determine the role of this variant in disease. Therefore, it has been classified as a Variant of Uncertain Significance. Algorithms developed to predict the effect of missense changes on protein structure and function are either unavailable or do not agree on the potential impact of this missense change (SIFT: "Deleterious"; PolyPhen-2: "Not Available"; Align-GVGD: "Class C0"). This variant has not been reported in the literature in individuals with NEB-related conditions. ClinVar contains an entry for this variant (Variation ID: 423603). This variant is not present in population databases (ExAC no frequency). This sequence change replaces methionine with threonine at codon 8030 of the NEB protein (p.Met8030Thr). The methionine residue is weakly conserved and there is a moderate physicochemical difference between methionine and threonine.

GeneDx
Classification: Uncertain significance. Last evaluated: 2017-02-15. Review status: criteria provided, single submitter. Criteria: GeneDx Variant Classification (06012015). Collection method: clinical testing. Allele origin: germline. Affected: yes.
Comment: The M8030T variant in the NEB gene has not been reported previously as a pathogenic variant, nor as a benign variant, to our knowledge. This variant is not observed in large population cohorts (Lek et al., 2016; 1000 Genomes Consortium et al., 2015; Exome Variant Server). The M8030T variant is a non-conservative amino acid substitution, which is likely to impact secondary protein structure as these residues differ in polarity, charge, size and/or other properties. This substitution occurs at a position that is conserved in mammals. In silico analysis is inconsistent in its predictions as to whether or not the variant is damaging to the protein structure/function. We interpret M8030T as a variant of uncertain significance.